The following is an entry in ClinVar:

NM_001111125.3(IQSEC2):c.4423G>A (p.Ala1475Thr)

Gene: IQSEC2 (IQ motif and Sec7 domain ArfGEF 2; minus strand). Cytogenetic location: Xp11.22.
Variant type: single nucleotide variant.
Coding change: c.4423G>A on transcript NM_001111125.3 (MANE Select); coding-DNA position 4423, G replaced by A.
Protein change: p.Ala1475Thr; replaces alanine 1475 with threonine.
Molecular consequence: missense variant. On other transcripts: 3 prime UTR variant (2).
Genome position (GRCh38, 1-based): chrX:53,234,263, C>T on the plus strand (G>A on the coding strand, the complement: IQSEC2 is on the minus strand). VCF-style: chrX-53234263-C-T. GRCh37 (hg19) VCF-style: chrX-53263445-C-T.
Other names: c.*908G>A (NM_001410736.1, NM_015075.2); short protein forms A1475T.
Identifiers: ClinVar variation 3349648 (VCV003349648.1).

ClinVar aggregate classification (germline): Uncertain significance (0 of 4 stars; one submission).

Conditions:
IQSEC2-related disorder. Also called: IQSEC2-related condition.

gnomAD v4.1: 1 of 1,075,374 alleles (0.000093%); highest among the groups gnomAD compares: Non-Finnish European, 0.00012%; no homozygotes.

Submission:

PreventionGenetics, part of Exact Sciences
Classification: Uncertain significance for IQSEC2-related condition. Last evaluated: 2024-03-22. Review status: no assertion criteria provided. Collection method: clinical testing. Allele origin: germline.
Comment: The IQSEC2 c.4423G>A variant is predicted to result in the amino acid substitution p.Ala1475Thr. To our knowledge, this variant has not been reported in the literature or in a large population database, indicating this variant is rare. At this time, the clinical significance of this variant is uncertain due to the absence of conclusive functional and genetic evidence.